The following is an entry in ClinVar:

NM_022765.4(MICAL1):c.2042C>G (p.Pro681Arg)

Gene: MICAL1 (microtubule associated monooxygenase, calponin and LIM domain containing 1; minus strand). Cytogenetic location: 6q21.
Variant type: single nucleotide variant.
Coding change: c.2042C>G on transcript NM_022765.4 (MANE Select); coding-DNA position 2042, C replaced by G.
Protein change: p.Pro681Arg; replaces proline 681 with arginine.
Molecular consequence: missense variant.
Genome position (GRCh38, 1-based): chr6:109,447,385, G>C on the plus strand (C>G on the coding strand, the complement: MICAL1 is on the minus strand). VCF-style: chr6-109447385-G-C. GRCh37 (hg19) VCF-style: chr6-109768588-G-C.
Other names: c.1784C>G, p.Pro595Arg (NM_001159291.2); c.2099C>G, p.Pro700Arg (NM_001286613.2); short protein forms P595R, P681R, P700R.
Identifiers: ClinVar variation 3605643 (VCV003605643.2).
Genomic context (GRCh38, chr6:109,447,385, plus strand): 5'-GCCTCTGCCTGCACACAAAGCCTGGCTCTCACCTCCTGGTGTTGGGATGGGGGTGTCAGG[G>C]GTACACCAGGCTCTGGGTCAGGTGGCACCTCAGTACTTGGGGTCTCGGCCTCCATCTAAG-3'
Protein context (NP_073602.3, residues 671-691): EVPPDPEPGV[Pro681Arg]LTPPSQHQEA

ClinVar aggregate classification (germline): Uncertain significance (1 of 4 stars; one submission).

Submission:

Labcorp Genetics (formerly Invitae), Labcorp
Classification: Uncertain significance. Last evaluated: 2024-09-21. Review status: criteria provided, single submitter. Criteria: Invitae Variant Classification Sherloc (09022015). Collection method: clinical testing. Allele origin: germline.
Comment: This sequence change replaces proline, which is neutral and non-polar, with arginine, which is basic and polar, at codon 700 of the MICAL1 protein (p.Pro700Arg). This variant is not present in population databases (gnomAD no frequency). This variant has not been reported in the literature in individuals affected with MICAL1-related conditions. An algorithm developed to predict the effect of missense changes on protein structure and function (PolyPhen-2) suggests that this variant is likely to be disruptive. In summary, the available evidence is currently insufficient to determine the role of this variant in disease. Therefore, it has been classified as a Variant of Uncertain Significance.